The following is an entry in ClinVar:

ClinVar aggregate classification (germline): Uncertain significance. Review status: criteria provided, multiple submitters, no conflicts (2 of 4 stars). 2 submissions from 2 submitters: Uncertain significance (2). Last evaluated 2026-02-13.

Conditions:
IFT74-related disorder. Also called: IFT74-Related Disorders; IFT74-related condition.
Inborn genetic diseases. Identifiers: MedGen C0950123, MeSH D030342.

Submissions (2):

PreventionGenetics, part of Exact Sciences
Classification: Uncertain significance for IFT74-related condition. Last evaluated: 2026-02-13. Review status: criteria provided, single submitter. Criteria: ACMG Guidelines, 2015. Collection method: clinical testing. Allele origin: germline.
Comment: The IFT74 c.590A>C variant is predicted to result in the amino acid substitution p.Lys197Thr. To our knowledge, this variant has not been reported in the literature or in a large population database (gnomAD), indicating this variant is rare. At this time, the clinical significance of this variant is uncertain due to the absence of conclusive functional and genetic evidence.

Ambry Genetics
Classification: Uncertain significance for Inborn genetic diseases. Last evaluated: 2025-08-01. Review status: criteria provided, single submitter. Criteria: Ambry Variant Classification Scheme 2023. Collection method: clinical testing. Allele origin: germline.

NM_025103.4(IFT74):c.590A>C (p.Lys197Thr)

Gene: IFT74 (intraflagellar transport 74; plus strand). Cytogenetic location: 9p21.2.
Variant type: single nucleotide variant.
Coding change: c.590A>C on transcript NM_025103.4 (MANE Select); coding-DNA position 590, A replaced by C.
Protein change: p.Lys197Thr; replaces lysine 197 with threonine.
Molecular consequence: missense variant.
Genome position (GRCh38, 1-based): chr9:27,009,022, A>C. VCF-style: chr9-27009022-A-C. GRCh37 (hg19) VCF-style: chr9-27009020-A-C.
Other names: c.590A>C (NM_025103.2); c.590A>C, p.Lys197Thr (NM_001099222.3, NM_001099223.3, NM_001099224.3 and 1 more transcripts); short protein forms K197T.
Identifiers: ClinVar variation 4273952 (VCV004273952.2).